The following is an entry in ClinVar:

ClinVar aggregate classification (germline): Conflicting classifications of pathogenicity. Review status: criteria provided, conflicting classifications (1 of 4 stars). 2 submissions from 2 submitters: Uncertain significance (1); Likely benign (1). Last evaluated 2025-09-30.

Conditions:
Cardiomyopathy (CMYO). Also called: Cardiomyopathies. Identifiers: Orphanet 167848, MedGen C0878544, MONDO:0004994, HP:0001638. Inheritance: Various modes of inheritance.
Cardiovascular phenotype. Identifiers: MedGen CN230736.

Submissions (2):

Color Diagnostics, LLC DBA Color Health
Classification: Likely benign for Cardiomyopathy. Last evaluated: 2025-09-30. Review status: criteria provided, single submitter. Criteria: ACMG Guidelines, 2015. Collection method: clinical testing. Allele origin: germline.

Ambry Genetics
Classification: Uncertain significance for Cardiovascular phenotype. Last evaluated: 2024-11-03. Review status: criteria provided, single submitter. Criteria: Ambry Variant Classification Scheme 2023. Collection method: clinical testing. Allele origin: germline.
Comment: The p.T334N variant (also known as c.1001C>A), located in coding exon 3 of the PKP2 gene, results from a C to A substitution at nucleotide position 1001. The threonine at codon 334 is replaced by asparagine, an amino acid with similar properties. This amino acid position is conserved. In addition, this alteration is predicted to be tolerated by in silico analysis. Based on the available evidence, the clinical significance of this variant remains unclear.

NM_001005242.3(PKP2):c.1001C>A (p.Thr334Asn)

Gene: PKP2 (plakophilin 2; minus strand). Cytogenetic location: 12p11.21.
Variant type: single nucleotide variant.
Coding change: c.1001C>A on transcript NM_001005242.3 (MANE Select); coding-DNA position 1001, C replaced by A.
Protein change: p.Thr334Asn; replaces threonine 334 with asparagine.
Molecular consequence: missense variant.
Genome position (GRCh38, 1-based): chr12:32,877,879, G>T on the plus strand (C>A on the coding strand, the complement: PKP2 is on the minus strand). VCF-style: chr12-32877879-G-T. GRCh37 (hg19) VCF-style: chr12-33030813-G-T.
Other names: c.1001C>A, p.Thr334Asn (NM_001407155.1, NM_001407156.1, NM_001407157.1 and 2 more transcripts); c.674C>A, p.Thr225Asn (NM_001407158.1, NM_001407159.1, NM_001407160.1 and 1 more transcripts); short protein forms T225N, T334N.
Identifiers: ClinVar variation 3419534 (VCV003419534.2).
Genomic context (GRCh38, chr12:32,877,879, plus strand): 5'-GAACTGCAGAGTCAGGAGGGGACTTACCCCAGCTGGGAGTCAGTGAAAGTGCTTCTCTCA[G>T]TGAGCAGATTCCCACTTCCCCCTGCGGCCGCCTGGCCGACAGTCAAGTGCGCTCTCCTCC-3'
Protein context (NP_001005242.2, residues 324-344): AAAGGSGNLL[Thr334Asn]ERSTFTDSQL